The following is an entry in ClinVar:

NM_000059.4(BRCA2):c.8463dup (p.Ile2822fs)

Gene: BRCA2 (BRCA2 DNA repair associated; plus strand). Cytogenetic location: 13q13.1.
Variant type: Duplication.
Coding change: c.8463dup on transcript NM_000059.4 (MANE Select); coding-DNA position 8463, one base duplicated (T; older notation c.8463dupT).
Protein change: p.Ile2822fs; shifts the reading frame from isoleucine 2822.
Molecular consequence: frameshift variant.
Genome position (GRCh38, 1-based): chr13:32,370,533, T duplicated; the last of 2 consecutive T bases (chr13:32,370,532-32,370,533); duplicating either gives the same sequence. VCF-style (leftmost placement, unchanged base first): chr13-32370531-A-AT. GRCh37 (hg19) VCF-style: chr13-32944668-A-AT.
Other names: c.8463dupT (NM_000059.3); short protein forms I2822fs.
Identifiers: ClinVar variation 52596 (VCV000052596.18), dbSNP rs397507988, ClinGen allele CA025655.

ClinVar aggregate classification (germline): Pathogenic. Review status: reviewed by expert panel (3 of 4 stars). 7 submissions from 7 submitters: Pathogenic (1). 6 of the submissions do not count toward it. Last evaluated 2016-09-08.

Conditions:
Hereditary cancer-predisposing syndrome. Also called: Neoplastic Syndromes, Hereditary; Hereditary neoplastic syndrome; Hereditary Cancer Syndrome; Tumor predisposition. Identifiers: Orphanet 140162, MedGen C0027672, MeSH D009386, MONDO:0015356.
Hereditary breast ovarian cancer syndrome. Also called: Breast and ovarian cancer; BRCA1- and BRCA2-Associated Hereditary Breast and Ovarian Cancer; Hereditary breast and ovarian cancer syndrome (HBOC); Hereditary breast and/or ovarian cancer syndrome; Hereditary breast and ovarian cancer; Hereditary breast and ovarian cancer syndrome. Identifiers: Orphanet 145, MedGen C0677776, MeSH D061325, MONDO:0003582. Disease mechanism: loss of function.
Breast-ovarian cancer, familial, susceptibility to, 2 (BROVCA2). Also called: BRCA2 Hereditary Breast and Ovarian Cancer. Identifiers: Orphanet 145, MedGen C2675520, MONDO:0012933, OMIM 612555. Disease mechanism: loss of function.

Submissions (7):

Evidence-based Network for the Interpretation of Germline Mutant Alleles (ENIGMA)
Classification: Pathogenic for Breast-ovarian cancer, familial, susceptibility to, 2. Last evaluated: 2016-09-08. Review status: reviewed by expert panel. Criteria: ENIGMA BRCA1/2 Classification Criteria (2015). Collection method: curation. Allele origin: germline.
Comment: Variant allele predicted to encode a truncated non-functional protein.

Dasa
Classification: Pathogenic for Breast-ovarian cancer, familial, susceptibility to, 2. Last evaluated: 2026-03-24. Review status: criteria provided, single submitter. Criteria: DASA Assertion Criteria. Collection method: clinical testing. Allele origin: germline. Not counted in ClinVar's aggregate classification.
Comment: NM_000059.4(BRCA2):c.8463dup (p.Ile2822Tyrfs*23) is a frameshift variant in BRCA2 predicted to alter the reading frame and introduce a premature termination codon and is predicted to result in an absent or altered protein product. Loss of function is an established disease mechanism for BRCA2 (PMID: 16199546; PMID: 17063271; PMID: 25632310). The affected residue or protein region has prior evidence supporting clinical relevance. Also, this variant is rare in population databases. Based on the currently available evidence, this variant is classified as pathogenic.

Ambry Genetics
Classification: Pathogenic for Hereditary cancer-predisposing syndrome. Last evaluated: 2025-05-21. Review status: criteria provided, single submitter. Criteria: Ambry Variant Classification Scheme 2023. Collection method: clinical testing. Allele origin: germline. Not counted in ClinVar's aggregate classification.
Comment: The c.8463dupT pathogenic mutation, located in coding exon 18 of the BRCA2 gene, results from a duplication of T at nucleotide position 8463, causing a translational frameshift with a predicted alternate stop codon (p.I2822Yfs*23). This alteration is expected to result in loss of function by premature protein truncation or nonsense-mediated mRNA decay. As such, this alteration is interpreted as a disease-causing mutation.

Color Diagnostics, LLC DBA Color Health
Classification: Pathogenic for Hereditary cancer-predisposing syndrome. Last evaluated: 2024-09-23. Review status: criteria provided, single submitter. Criteria: ACMG Guidelines, 2015. Collection method: clinical testing. Allele origin: germline. Not counted in ClinVar's aggregate classification.
Comment: This variant inserts 1 nucleotide in exon 19 of the BRCA2 gene, creating a frameshift and premature translation stop signal. This variant is expected to result in an absent or non-functional protein product. To our knowledge, functional studies have not been reported for this variant. This variant has been reported in at least two individuals affected with breast and/or ovarian cancer and a suspected hereditary breast and ovarian cancer family (PMID: 22762150, 26306726, 28947987). This variant has been identified in 1/251406 chromosomes in the general population by the Genome Aggregation Database (gnomAD). Loss of BRCA2 function is a known mechanism of disease. Based on the available evidence, this variant is classified as Pathogenic.

Labcorp Genetics (formerly Invitae), Labcorp
Classification: Pathogenic for Hereditary breast ovarian cancer syndrome. Last evaluated: 2022-05-17. Review status: criteria provided, single submitter. Criteria: Invitae Variant Classification Sherloc (09022015). Collection method: clinical testing. Allele origin: germline. Not counted in ClinVar's aggregate classification.
Comment: For these reasons, this variant has been classified as Pathogenic. ClinVar contains an entry for this variant (Variation ID: 52596). This variant is also known as c.8463_8464insT. This premature translational stop signal has been observed in individual(s) with BRCA2-related conditions (PMID: 22762150, 26306726, 28947987). This variant is present in population databases (rs780299355, gnomAD 0.0009%). This sequence change creates a premature translational stop signal (p.Ile2822Tyrfs*23) in the BRCA2 gene. It is expected to result in an absent or disrupted protein product. Loss-of-function variants in BRCA2 are known to be pathogenic (PMID: 20104584).

Consortium of Investigators of Modifiers of BRCA1/2 (CIMBA), c/o University of Cambridge
Classification: Pathogenic for Breast-ovarian cancer, familial, susceptibility to, 2. Last evaluated: 2015-10-02. Review status: criteria provided, single submitter. Criteria: CIMBA Mutation Classification guidelines May 2016. Collection method: clinical testing. Allele origin: germline. Not counted in ClinVar's aggregate classification.

Research Molecular Genetics Laboratory, Women's College Hospital, University of Toronto
Classification: Pathogenic for Hereditary breast ovarian cancer syndrome. Last evaluated: 2014-01-31. Review status: no assertion criteria provided. Collection method: research. Allele origin: germline. Affected: yes. Study: The Canadian Open Genetics Repository (COGR). Not counted in ClinVar's aggregate classification.

Literature cited by the submitters: PubMed 16199546 (cited by Dasa); PubMed 17063271 (cited by Dasa); PubMed 25632310 (cited by Dasa); PubMed 22762150 (cited by Color Diagnostics, LLC DBA Color Health and Labcorp Genetics (formerly Invitae), Labcorp); PubMed 26306726 (cited by Color Diagnostics, LLC DBA Color Health and Labcorp Genetics (formerly Invitae), Labcorp); PubMed 28947987 (cited by Color Diagnostics, LLC DBA Color Health and Labcorp Genetics (formerly Invitae), Labcorp); PubMed 20104584 (cited by Labcorp Genetics (formerly Invitae), Labcorp).